The following is an entry in ClinVar:

NM_000059.4(BRCA2):c.6891A>G (p.Ile2297Met)

Gene: BRCA2 (BRCA2 DNA repair associated; plus strand). Cytogenetic location: 13q13.1.
Variant type: single nucleotide variant.
Coding change: c.6891A>G on transcript NM_000059.4 (MANE Select); coding-DNA position 6891, A replaced by G.
Protein change: p.Ile2297Met; replaces isoleucine 2297 with methionine.
Molecular consequence: missense variant.
Genome position (GRCh38, 1-based): chr13:32,344,607, A>G. VCF-style: chr13-32344607-A-G. GRCh37 (hg19) VCF-style: chr13-32918744-A-G.
Other names: short protein forms I2297M.
Identifiers: ClinVar variation 826684 (VCV000826684.9), dbSNP rs1593912079, ClinGen allele CA387792803.

ClinVar aggregate classification (germline): Uncertain significance. Review status: criteria provided, multiple submitters, no conflicts (2 of 4 stars). 3 submissions from 3 submitters: Uncertain significance (3). Last evaluated 2025-09-19.

Conditions:
Hereditary breast ovarian cancer syndrome. Also called: Hereditary breast and ovarian cancer syndrome; Hereditary breast and ovarian cancer; Hereditary breast and ovarian cancer syndrome (HBOC); Breast and ovarian cancer; Hereditary breast and/or ovarian cancer syndrome; BRCA1- and BRCA2-Associated Hereditary Breast and Ovarian Cancer. Identifiers: Orphanet 145, MedGen C0677776, MeSH D061325, MONDO:0003582. Disease mechanism: loss of function.
Hereditary cancer-predisposing syndrome. Also called: Neoplastic Syndromes, Hereditary; Tumor predisposition; Hereditary neoplastic syndrome; Hereditary Cancer Syndrome. Identifiers: Orphanet 140162, MedGen C0027672, MeSH D009386, MONDO:0015356.

gnomAD v4.1: 1 of 1,582,724 alleles (0.000063%); highest among the groups gnomAD compares: Non-Finnish European, 0.000087%; no homozygotes.

Submissions (3):

Labcorp Genetics (formerly Invitae), Labcorp
Classification: Uncertain significance for Hereditary breast ovarian cancer syndrome. Last evaluated: 2025-09-19. Review status: criteria provided, single submitter. Criteria: Invitae Variant Classification Sherloc (09022015). Collection method: clinical testing. Allele origin: germline.
Comment: This sequence change replaces isoleucine, which is neutral and non-polar, with methionine, which is neutral and non-polar, at codon 2297 of the BRCA2 protein (p.Ile2297Met). This variant is not present in population databases (gnomAD no frequency). This variant has not been reported in the literature in individuals affected with BRCA2-related conditions. ClinVar contains an entry for this variant (Variation ID: 826684). Invitae Evidence Modeling of protein sequence and biophysical properties (such as structural, functional, and spatial information, amino acid conservation, physicochemical variation, residue mobility, and thermodynamic stability) indicates that this missense variant is not expected to disrupt BRCA2 protein function with a negative predictive value of 95%. In summary, the available evidence is currently insufficient to determine the role of this variant in disease. Therefore, it has been classified as a Variant of Uncertain Significance.

Color Diagnostics, LLC DBA Color Health
Classification: Uncertain significance for Hereditary cancer-predisposing syndrome. Last evaluated: 2025-08-30. Review status: criteria provided, single submitter. Criteria: ACMG Guidelines, 2015. Collection method: clinical testing. Allele origin: germline.
Comment: This missense variant replaces isoleucine with methionine at codon 2297 of the BRCA2 protein. Computational prediction suggests that this variant may not impact protein structure and function. To our knowledge, functional studies have not been reported for this variant. This variant has not been reported in individuals affected with BRCA2-related disorders in the literature. This variant has not been identified in the general population by the Genome Aggregation Database (gnomAD). The available evidence is insufficient to determine the role of this variant in disease conclusively. Therefore, this variant is classified as a Variant of Uncertain Significance.

Ambry Genetics
Classification: Uncertain significance for Hereditary cancer-predisposing syndrome. Last evaluated: 2022-12-18. Review status: criteria provided, single submitter. Criteria: Ambry Variant Classification Scheme 2023. Collection method: clinical testing. Allele origin: germline.
Comment: The p.I2297M variant (also known as c.6891A>G), located in coding exon 11 of the BRCA2 gene, results from an A to G substitution at nucleotide position 6891. The isoleucine at codon 2297 is replaced by methionine, an amino acid with highly similar properties. This amino acid position is not well conserved in available vertebrate species. In addition, this alteration is predicted to be tolerated by in silico analysis. Since supporting evidence is limited at this time, the clinical significance of this alteration remains unclear.